The following is an entry in ClinVar:

ClinVar aggregate classification (germline): Conflicting classifications of pathogenicity. Review status: criteria provided, conflicting classifications (1 of 4 stars). 8 submissions from 8 submitters: Uncertain significance (3); Benign (3); Likely benign (1). 1 of the submissions does not count toward it. Last evaluated 2026-03-31.

Conditions:
Pyogenic arthritis-pyoderma gangrenosum-acne syndrome (PAPA). Also called: FAMILIAL RECURRENT ARTHRITIS; PAPA SYNDROME. Identifiers: Orphanet 69126, MedGen C1858361, MONDO:0011462, OMIM 604416.
PSTPIP1-related disorder. Also called: PSTPIP1-related condition.
Autoinflammatory syndrome. Identifiers: Orphanet 93665, MedGen C3890737, MONDO:0019751.

Allele frequency attached by ClinVar (database versions not stated): TOPMed 0.00015; ESP Exome Variant Server 0.00016; gnomAD 0.00034 and 0.00042; 1000 Genomes Project 0.00040; gnomAD exomes 0.00060; 1000 Genomes Project 30x 0.00062; ExAC 0.00082.
gnomAD v4.1: 549 of 1,596,186 alleles (0.034%); highest among the groups gnomAD compares: South Asian, 0.17%; 4 homozygotes.

Submissions (8):

Women's Health and Genetics/Laboratory Corporation of America, LabCorp
Classification: Benign. Last evaluated: 2026-03-31. Review status: criteria provided, single submitter. Criteria: LabCorp Variant Classification Summary - May 2015. Collection method: clinical testing. Allele origin: germline.

Labcorp Genetics (formerly Invitae), Labcorp
Classification: Benign for Pyogenic arthritis-pyoderma gangrenosum-acne syndrome. Last evaluated: 2026-01-11. Review status: criteria provided, single submitter. Criteria: Invitae Variant Classification Sherloc (09022015). Collection method: clinical testing. Allele origin: germline.

Blueprint Genetics
Classification: Likely benign. Last evaluated: 2024-09-03. Review status: criteria provided, single submitter. Criteria: ACMG Guidelines, 2015. Collection method: clinical testing. Allele origin: germline.

GeneDx
Classification: Uncertain significance. Last evaluated: 2022-06-08. Review status: criteria provided, single submitter. Criteria: GeneDx Variant Classification Process June 2021. Collection method: clinical testing. Allele origin: germline. Affected: yes.
Comment: In silico analysis, which includes splice predictors and evolutionary conservation, suggests this variant may impact gene splicing. In the absence of RNA/functional studies, the actual effect of this sequence change is unknown.; Has not been previously published as pathogenic or benign to our knowledge

Illumina Laboratory Services, Illumina
Classification: Benign for Pyogenic arthritis-pyoderma gangrenosum-acne syndrome. Last evaluated: 2018-01-12. Review status: criteria provided, single submitter. Criteria: ICSL Variant Classification Criteria 13 December 2019. Collection method: clinical testing. Allele origin: germline.
Comment: This variant was observed in the ICSL laboratory as part of a predisposition screen in an ostensibly healthy population. It had not been previously curated by ICSL or reported in the Human Gene Mutation Database (HGMD: prior to June 1st, 2018), and was therefore a candidate for classification through an automated scoring system. Utilizing variant allele frequency, disease prevalence and penetrance estimates, and inheritance mode, an automated score was calculated to assess if this variant is too frequent to cause the disease. Based on the score and internal cut-off values, a variant classified as benign is not then subjected to further curation. The score for this variant resulted in a classification of benign for this disease.

Genome Diagnostics Laboratory, The Hospital for Sick Children
Classification: Uncertain significance for Autoinflammatory syndrome. Last evaluated: 2017-12-01. Review status: criteria provided, single submitter. Criteria: ACMG Guidelines, 2015. Collection method: clinical testing. Allele origin: germline. Affected: yes.

ARUP Laboratories, Molecular Genetics and Genomics, ARUP Laboratories
Classification: Uncertain significance. Last evaluated: 2017-03-31. Review status: criteria provided, single submitter. Criteria: ARUP Molecular Germline Variant Investigation Process. Collection method: clinical testing. Allele origin: germline.

PreventionGenetics, part of Exact Sciences
Classification: Likely benign for PSTPIP1-related condition. Last evaluated: 2019-06-18. Review status: no assertion criteria provided. Collection method: clinical testing. Allele origin: germline. Not counted in ClinVar's aggregate classification.
Comment: This variant is classified as likely benign based on ACMG/AMP sequence variant interpretation guidelines (Richards et al. 2015 PMID: 25741868, with internal and published modifications).

NM_003978.5(PSTPIP1):c.418-6C>A

Gene: PSTPIP1 (proline-serine-threonine phosphatase interacting protein 1; plus strand). Cytogenetic location: 15q24.3.
Variant type: single nucleotide variant.
Coding change: c.418-6C>A on transcript NM_003978.5 (MANE Select); 6 bases into the intron before coding-DNA position 418, C replaced by A.
Molecular consequence: intron variant.
Genome position (GRCh38, 1-based): chr15:77,028,548, C>A. VCF-style: chr15-77028548-C-A. GRCh37 (hg19) VCF-style: chr15-77320889-C-A.
Other names: c.613-6C>A (NM_001321137.1); c.391-6C>A (NM_001321136.2); c.418-6C>A (NM_001321135.2).
Identifiers: ClinVar variation 440212 (VCV000440212.30), dbSNP rs200018722, ClinGen allele CA7675820.